The following is an entry in ClinVar:

ClinVar aggregate classification (germline): Uncertain significance (1 of 4 stars; one submission).

Allele frequency attached by ClinVar (database versions not stated): TOPMed below 0.00001.
gnomAD v4.1: 1 of 1,614,058 alleles (0.000062%); highest among the groups gnomAD compares: African/African-American, 0.0013%; no homozygotes.

Submission:

Labcorp Genetics (formerly Invitae), Labcorp
Classification: Uncertain significance. Last evaluated: 2022-03-15. Review status: criteria provided, single submitter. Criteria: Invitae Variant Classification Sherloc (09022015). Collection method: clinical testing. Allele origin: germline.
Comment: In summary, the available evidence is currently insufficient to determine the role of this variant in disease. Therefore, it has been classified as a Variant of Uncertain Significance. Algorithms developed to predict the effect of missense changes on protein structure and function are either unavailable or do not agree on the potential impact of this missense change (SIFT: "Deleterious"; PolyPhen-2: "Possibly Damaging"; Align-GVGD: "Class C0"). This variant has not been reported in the literature in individuals affected with SLC34A1-related conditions. This variant is not present in population databases (gnomAD no frequency). This sequence change replaces glutamic acid, which is acidic and polar, with glutamine, which is neutral and polar, at codon 438 of the SLC34A1 protein (p.Glu438Gln).

NM_003052.5(SLC34A1):c.1312G>C (p.Glu438Gln)

Gene: SLC34A1 (solute carrier family 34 member 1; plus strand). Cytogenetic location: 5q35.3.
Variant type: single nucleotide variant.
Coding change: c.1312G>C on transcript NM_003052.5 (MANE Select); coding-DNA position 1312, G replaced by C.
Protein change: p.Glu438Gln; replaces glutamic acid 438 with glutamine.
Molecular consequence: missense variant.
Genome position (GRCh38, 1-based): chr5:177,396,970, G>C. VCF-style: chr5-177396970-G-C. GRCh37 (hg19) VCF-style: chr5-176823971-G-C.
Other names: short protein forms E438Q.
Identifiers: ClinVar variation 2112511 (VCV002112511.4), dbSNP rs554566423, ClinGen allele CA132828812.
Genomic context (GRCh38, chr5:177,396,970, plus strand): 5'-GAGACGCTGGGGGTCCCACTTCCTCTCCCTCTGTCCCCAGGTCTTGGTGTGATCAGCATT[G>C]AGAGGGCCTACCCGCTCACACTGGGTTCCAACATCGGCACCACCACCACGGCCATCCTGG-3'
Protein context (NP_003043.3, residues 428-448): PLIGLGVISI[Glu438Gln]RAYPLTLGSN